The following is an entry in ClinVar:

NM_000152.5(GAA):c.2057_2058delinsAA (p.Ser686Lys)

Gene: GAA (alpha glucosidase; plus strand). Cytogenetic location: 17q25.3.
Variant type: Indel.
Coding change: c.2057_2058delinsAA on transcript NM_000152.5 (MANE Select); coding-DNA positions 2057 to 2058, GC replaced by AA.
Protein change: p.Ser686Lys; replaces serine 686 with lysine.
Molecular consequence: missense variant.
Genome position (GRCh38, 1-based): chr17:80,113,234-80,113,235, GC replaced by AA. VCF-style: chr17-80113234-GC-AA. GRCh37 (hg19) VCF-style: chr17-78087033-GC-AA.
Other names: c.2057_2058delGCinsAA (LRG_673t1); c.2057_2058delinsAA, p.Ser686Lys (NM_001079803.3, NM_001079804.3); short protein forms S686K.
Identifiers: ClinVar variation 656668 (VCV000656668.7), dbSNP rs1598586309, ClinGen allele CA915952255.

ClinVar aggregate classification (germline): Uncertain significance (1 of 4 stars; one submission).

Conditions:
Glycogen storage disease, type II (IOPD). Also called: POMPE DISEASE, INFANTILE-ONSET; GLYCOGEN STORAGE DISEASE II, INFANTILE-ONSET; ACID ALPHA-GLUCOSIDASE DEFICIENCY, INFANTILE-ONSET; GAA DEFICIENCY, INFANTILE-ONSET; ACID MALTASE DEFICIENCY, INFANTILE-ONSET; GLYCOGENOSIS, GENERALIZED, CARDIAC FORM. Identifiers: Orphanet 365, MedGen C0017921, MONDO:0009290, OMIM 232300.

Submission:

Labcorp Genetics (formerly Invitae), Labcorp
Classification: Uncertain significance for Glycogen storage disease, type II. Last evaluated: 2018-07-31. Review status: criteria provided, single submitter. Criteria: Invitae Variant Classification Sherloc (09022015). Collection method: clinical testing. Allele origin: germline.
Comment: In summary, the available evidence is currently insufficient to determine the role of this variant in disease. Therefore, it has been classified as a Variant of Uncertain Significance. Algorithms developed to predict the effect of missense changes on protein structure and function (SIFT, PolyPhen-2, Align-GVGD) all suggest that this variant is likely to be tolerated, but these predictions have not been confirmed by published functional studies and their clinical significance is uncertain. This variant has not been reported in the literature in individuals with GAA-related disease. This variant is not present in population databases (ExAC no frequency). This sequence change replaces serine with lysine at codon 686 of the GAA protein (p.Ser686Lys). The serine residue is weakly conserved and there is a moderate physicochemical difference between serine and lysine.